The following is an entry in ClinVar:

NM_004006.3(DMD):c.5586+1G>T

Gene: DMD (dystrophin; minus strand). Cytogenetic location: Xp21.1.
Variant type: single nucleotide variant.
Coding change: c.5586+1G>T on transcript NM_004006.3 (MANE Select); the canonical splice donor site of the intron after coding-DNA position 5586, G replaced by T.
Molecular consequence: splice donor variant.
Genome position (GRCh38, 1-based): chrX:32,345,942, C>A on the plus strand (G>T on the coding strand, the complement: DMD is on the minus strand). VCF-style: chrX-32345942-C-A. GRCh37 (hg19) VCF-style: chrX-32364059-C-A.
Other names: c.5562+1G>T (NM_000109.4); c.1563+1G>T (NM_004011.4); c.1554+1G>T (NM_004012.4); c.5574+1G>T (NM_004009.3); c.5217+1G>T (NM_004010.3).
Identifiers: ClinVar variation 3502589 (VCV003502589.4).

ClinVar aggregate classification (germline): Pathogenic/Likely pathogenic. Review status: criteria provided, multiple submitters, no conflicts (2 of 4 stars). 5 submissions from 5 submitters: Pathogenic (1); Likely pathogenic (4). Last evaluated 2026-03-25.

Conditions:
Duchenne muscular dystrophy (DMD). Also called: MUSCULAR DYSTROPHY, PSEUDOHYPERTROPHIC PROGRESSIVE, DUCHENNE TYPE; Duchenne Muscular Dystrophy (DMD). Identifiers: Orphanet 98896, MedGen C0013264, MONDO:0010679, OMIM 310200.
Cardiovascular phenotype. Identifiers: MedGen CN230736.
Becker muscular dystrophy, Cardiomyopathy, Duchenne muscular dystrophy, Dystrophin deficiency.

Submissions (5):

GeneDx
Classification: Likely pathogenic. Last evaluated: 2026-03-25. Review status: criteria provided, single submitter. Criteria: GeneDx Variant Classification Process June 2021. Collection method: clinical testing. Allele origin: germline.
Comment: Canonical splice site variant predicted to result in an in-frame loss of the adjacent exon in a gene for which loss of function is a known mechanism of disease; Deletions involving coding exons of this gene are a known mechanism of disease (HGMD); Not observed at significant frequency in large population cohorts (gnomAD); This variant is associated with the following publications: (PMID: 39182149)

Labcorp Genetics (formerly Invitae), Labcorp
Classification: Likely pathogenic for Duchenne muscular dystrophy. Last evaluated: 2025-10-26. Review status: criteria provided, single submitter. Criteria: Invitae Variant Classification Sherloc (09022015). Collection method: clinical testing. Allele origin: germline.
Comment: This sequence change affects a donor splice site in intron 39 of the DMD gene. It is expected to disrupt RNA splicing. Variants that disrupt the donor or acceptor splice site typically lead to a loss of protein function (PMID: 16199547), and loss-of-function variants in DMD are known to be pathogenic (PMID: 16770791, 25007885). This variant is not present in population databases (gnomAD no frequency). This variant has not been reported in the literature in individuals affected with DMD-related conditions. ClinVar contains an entry for this variant (Variation ID: 3502589). Algorithms developed to predict the effect of sequence changes on RNA splicing suggest that this variant may disrupt the consensus splice site. In summary, the currently available evidence indicates that the variant is pathogenic, but additional data are needed to prove that conclusively. Therefore, this variant has been classified as Likely Pathogenic.

Genesolutions, Medical Genetics Institutes, Ho Chi Minh City, Vietnam
Classification: Pathogenic for Duchenne muscular dystrophy. Last evaluated: 2025-09-24. Review status: criteria provided, single submitter. Criteria: ACMG Guidelines, 2015. Collection method: clinical testing. Allele origin: germline. Affected: yes.

Natera, Inc.
Classification: Likely pathogenic for Becker muscular dystrophy, Cardiomyopathy, Duchenne muscular dystrophy, Dystrophin deficiency. Last evaluated: 2025-04-25. Review status: criteria provided, single submitter. Criteria: Natera Variant Classification Schema (03/2026). Collection method: clinical testing. Allele origin: germline.
Comment: The c.5586+1G>T variant in DMD is a canonical splice donor site variant predicted to affect pre-mRNA splicing, which may result in an abnormal transcript and altered protein product. This variant may result in a truncated or dysfunctional protein product. This variant is rare in the general population with a frequency below the threshold expected for the associated phenotype(s). This variant has been observed in affected individual(s) with monoallelic occurrence (heterozygous/hemizygous) (PMID: 39182149). Given the available evidence, this variant is classified as Likely Pathogenic.

Ambry Genetics
Classification: Likely pathogenic for Cardiovascular phenotype. Last evaluated: 2024-10-05. Review status: criteria provided, single submitter. Criteria: Ambry Variant Classification Scheme 2023. Collection method: clinical testing. Allele origin: germline.
Comment: The c.5586+1G>T intronic variant results from a G to T substitution one nucleotide after coding exon 39 of the DMD gene. Alterations that disrupt the canonical splice site are expected to result in aberrant splicing. In silico splice site analysis predicts that this alteration will weaken the native splice donor site. The resulting transcript is predicted to be in-frame and is not expected to trigger nonsense-mediated mRNAdecay; however, direct evidence is unavailable. The exact functional effect of the altered amino acid sequence is unknown; however, the impacted region is critical for protein function (Ambry internal data). This variant has been detected in an individual reported to have Becker muscular dystrophy (Zhao L et al. Orphanet J Rare Dis, 2024 Aug;19:311). This variant is considered to be rare based on population cohorts in the Genome Aggregation Database (gnomAD). This nucleotide position is highly conserved in available vertebrate species. Based on the majority of available evidence to date, this variant is likely to be pathogenic.

Literature cited by the submitters: PubMed 16199547 (cited by Labcorp Genetics (formerly Invitae), Labcorp); PubMed 16770791 (cited by Labcorp Genetics (formerly Invitae), Labcorp); PubMed 25007885 (cited by Labcorp Genetics (formerly Invitae), Labcorp); PubMed 39182149 (cited by Natera, Inc. and Ambry Genetics).